The following is an entry in ClinVar:

NM_001085487.3(MYSM1):c.22G>A (p.Val8Met)

Genes: MYSM1 (Myb like, SWIRM and MPN domains 1; minus strand), LOC129930616 (ATAC-STARR-seq lymphoblastoid active region 1087; plus strand). Cytogenetic location: 1p32.1.
Variant type: single nucleotide variant.
Coding change: c.22G>A on transcript NM_001085487.3 (MANE Select); coding-DNA position 22, G replaced by A.
Protein change: p.Val8Met; replaces valine 8 with methionine.
Molecular consequence: missense variant.
Genome position (GRCh38, 1-based): chr1:58,700,031, C>T on the plus strand (G>A on the coding strand, the complement: MYSM1 is on the minus strand). VCF-style: chr1-58700031-C-T. GRCh37 (hg19) VCF-style: chr1-59165703-C-T.
Other names: short protein forms V8M.
Identifiers: ClinVar variation 2177998 (VCV002177998.1), dbSNP rs1178704124, ClinGen allele CA340534619.

ClinVar aggregate classification (germline): Uncertain significance (1 of 4 stars; one submission).

Allele frequency attached by ClinVar (database versions not stated): gnomAD exomes below 0.00001; TOPMed 0.00002; gnomAD 0.00003.
gnomAD v4.1: 7 of 1,613,660 alleles (0.00043%); highest among the groups gnomAD compares: Non-Finnish European, 0.00059%; no homozygotes.

Submission:

Labcorp Genetics (formerly Invitae), Labcorp
Classification: Uncertain significance. Last evaluated: 2022-08-21. Review status: criteria provided, single submitter. Criteria: Invitae Variant Classification Sherloc (09022015). Collection method: clinical testing. Allele origin: germline.
Comment: This sequence change replaces valine, which is neutral and non-polar, with methionine, which is neutral and non-polar, at codon 8 of the MYSM1 protein (p.Val8Met). This variant is not present in population databases (gnomAD no frequency). This variant has not been reported in the literature in individuals affected with MYSM1-related conditions. Algorithms developed to predict the effect of missense changes on protein structure and function are either unavailable or do not agree on the potential impact of this missense change (SIFT: "Deleterious"; PolyPhen-2: "Possibly Damaging"; Align-GVGD: "Class C0"). In summary, the available evidence is currently insufficient to determine the role of this variant in disease. Therefore, it has been classified as a Variant of Uncertain Significance.